The following is an entry in ClinVar:

NM_004370.6(COL12A1):c.8685G>A (p.Arg2895=)

Gene: COL12A1 (collagen type XII alpha 1 chain; minus strand). Cytogenetic location: 6q13.
Variant type: single nucleotide variant.
Coding change: c.8685G>A on transcript NM_004370.6 (MANE Select); coding-DNA position 8685, G replaced by A.
Protein change: p.Arg2895=; no amino-acid change (arginine 2895 retained).
Molecular consequence: synonymous variant.
Genome position (GRCh38, 1-based): chr6:75,091,490, C>T on the plus strand (G>A on the coding strand, the complement: COL12A1 is on the minus strand). VCF-style: chr6-75091490-C-T. GRCh37 (hg19) VCF-style: chr6-75801206-C-T.
Other names: c.8685G>A, p.Arg2895= (NM_001424113.1); c.8664G>A, p.Arg2888= (NM_001424114.1); c.8412G>A, p.Arg2804= (NM_001424115.1); c.5193G>A, p.Arg1731= (NM_001424116.1, NM_080645.3).
Identifiers: ClinVar variation 2932218 (VCV002932218.3), dbSNP rs1314425359, ClinGen allele CA450921639.

ClinVar aggregate classification (germline): Uncertain significance (1 of 4 stars; one submission).

Conditions:
Ullrich congenital muscular dystrophy 2 (UCMD2). Identifiers: Orphanet 75840, MedGen C4225314, MONDO:0014654, OMIM 616470.
Bethlem myopathy 2 (BTHLM2). Identifiers: Orphanet 536516, Orphanet 610, MedGen C4225313, MONDO:0034022, OMIM 616471.

Allele frequency attached by ClinVar (database versions not stated): gnomAD exomes below 0.00001; TOPMed below 0.00001.
gnomAD v4.1: 4 of 1,612,750 alleles (0.00025%); highest among the groups gnomAD compares: South Asian, 0.0044%; no homozygotes.

Submission:

Labcorp Genetics (formerly Invitae), Labcorp
Classification: Uncertain significance for Bethlem myopathy 2; Ullrich congenital muscular dystrophy 2. Last evaluated: 2024-01-16. Review status: criteria provided, single submitter. Criteria: Invitae Variant Classification Sherloc (09022015). Collection method: clinical testing. Allele origin: germline.
Comment: This sequence change affects codon 2895 of the COL12A1 mRNA. It is a 'silent' change, meaning that it does not change the encoded amino acid sequence of the COL12A1 protein. This variant also falls at the last nucleotide of exon 61, which is part of the consensus splice site for this exon. This variant is present in population databases (no rsID available, gnomAD 0.003%). This variant has not been reported in the literature in individuals affected with COL12A1-related conditions. Variants that disrupt the consensus splice site are a relatively common cause of aberrant splicing (PMID: 17576681, 9536098). Algorithms developed to predict the effect of sequence changes on RNA splicing suggest that this variant may create or strengthen a splice site. In summary, the available evidence is currently insufficient to determine the role of this variant in disease. Therefore, it has been classified as a Variant of Uncertain Significance.

Literature cited by the submitters: PubMed 17576681; PubMed 9536098.